The following is an entry in ClinVar:

ClinVar aggregate classification (germline): Conflicting classifications of pathogenicity. Review status: criteria provided, conflicting classifications (1 of 4 stars). 2 submissions from 2 submitters: Uncertain significance (1); Likely benign (1). Last evaluated 2024-06-17.

Conditions:
Hereditary cancer-predisposing syndrome. Also called: Hereditary neoplastic syndrome; Neoplastic Syndromes, Hereditary; Tumor predisposition; Hereditary Cancer Syndrome. Identifiers: Orphanet 140162, MedGen C0027672, MeSH D009386, MONDO:0015356.
Tuberous sclerosis 1 (TSC1). Identifiers: Orphanet 805, MedGen C1854465, MONDO:0008612, OMIM 191100.

Allele frequency attached by ClinVar (database versions not stated): gnomAD exomes below 0.00001 and 0.00001; ExAC 0.00001.
gnomAD v4.1: 3 of 1,613,934 alleles (0.00019%); highest among the groups gnomAD compares: Non-Finnish European, 0.00025%; no homozygotes.

Submissions (2):

Labcorp Genetics (formerly Invitae), Labcorp
Classification: Likely benign for Tuberous sclerosis 1. Last evaluated: 2024-06-17. Review status: criteria provided, single submitter. Criteria: Invitae Variant Classification Sherloc (09022015). Collection method: clinical testing. Allele origin: germline.

Ambry Genetics
Classification: Uncertain significance for Hereditary cancer-predisposing syndrome. Last evaluated: 2022-04-08. Review status: criteria provided, single submitter. Criteria: Ambry Variant Classification Scheme 2023. Collection method: clinical testing. Allele origin: germline.
Comment: The p.P684S variant (also known as c.2050C>T), located in coding exon 15 of the TSC1 gene, results from a C to T substitution at nucleotide position 2050. The proline at codon 684 is replaced by serine, an amino acid with similar properties. This amino acid position is conserved. In addition, this alteration is predicted to be deleterious by in silico analysis. Since supporting evidence is limited at this time, the clinical significance of this alteration remains unclear.

NM_000368.5(TSC1):c.2050C>T (p.Pro684Ser)

Gene: TSC1 (TSC complex subunit 1; minus strand). Cytogenetic location: 9q34.13.
Variant type: single nucleotide variant.
Coding change: c.2050C>T on transcript NM_000368.5 (MANE Select); coding-DNA position 2050, C replaced by T.
Protein change: p.Pro684Ser; replaces proline 684 with serine.
Molecular consequence: missense variant.
Genome position (GRCh38, 1-based): chr9:132,903,809, G>A on the plus strand (C>T on the coding strand, the complement: TSC1 is on the minus strand). VCF-style: chr9-132903809-G-A. GRCh37 (hg19) VCF-style: chr9-135779196-G-A.
Other names: c.2047C>T, p.Pro683Ser (NM_001162426.2); c.1897C>T, p.Pro633Ser (NM_001162427.2); c.1687C>T, p.Pro563Ser (NM_001362177.2); short protein forms P684S, P633S, P683S, P563S.
Identifiers: ClinVar variation 466060 (VCV000466060.13), dbSNP rs746909024, ClinGen allele CA031030.
Genomic context (GRCh38, chr9:132,903,809, plus strand): 5'-AGAGTAACTGGTTGTGCAGTAAAAGCAACTGGTCTCGGAGGGTGCGGATCTCATCTGAAG[G>A]AGGAGAGCCTGATTGTAAAGCAGAGGGAGGGTGGCAGAAATGCCTTTTACAGATGGTTCA-3'
Protein context (NP_000359.1, residues 674-694): VDWTHFGGSP[Pro684Ser]SDEIRTLRDQ